The following is an entry in ClinVar:

ClinVar aggregate classification (germline): Likely benign. Review status: criteria provided, multiple submitters, no conflicts (2 of 4 stars). 3 submissions from 3 submitters: Likely benign (2). 1 of the submissions does not count toward it. Last evaluated 2026-02-01.

Conditions:
ZFHX3-related disorder. Also called: ZFHX3-related condition.

Allele frequency attached by ClinVar (database versions not stated): 1000 Genomes Project 0.00080; 1000 Genomes Project 30x 0.00109; gnomAD 0.00181 and 0.00186; TOPMed 0.00204; ESP Exome Variant Server 0.00223.
gnomAD v4.1: 4,188 of 1,604,566 alleles (0.26%); highest among the groups gnomAD compares: Non-Finnish European, 0.33%; 7 homozygotes.

Submissions (3):

CeGaT Center for Human Genetics Tuebingen
Classification: Likely benign. Last evaluated: 2026-02-01. Review status: criteria provided, single submitter. Criteria: CeGaT Center For Human Genetics Tuebingen Variant Classification Criteria Version 2. Collection method: clinical testing. Allele origin: germline. Affected: yes. Observed: 5 variant alleles.
Comment: ZFHX3: BP4, BP7

Blueprint Genetics
Classification: Likely benign. Last evaluated: 2024-11-15. Review status: criteria provided, single submitter. Criteria: ACMG Guidelines, 2015. Collection method: clinical testing. Allele origin: germline.

PreventionGenetics, part of Exact Sciences
Classification: Likely benign for ZFHX3-related condition. Last evaluated: 2019-09-25. Review status: no assertion criteria provided. Collection method: clinical testing. Allele origin: germline. Not counted in ClinVar's aggregate classification.
Comment: This variant is classified as likely benign based on ACMG/AMP sequence variant interpretation guidelines (Richards et al. 2015 PMID: 25741868, with internal and published modifications).

NM_006885.4(ZFHX3):c.198G>A (p.Ala66=)

Gene: ZFHX3 (zinc finger homeobox 3; minus strand). Cytogenetic location: 16q22.3.
Variant type: single nucleotide variant.
Coding change: c.198G>A on transcript NM_006885.4 (MANE Select); coding-DNA position 198, G replaced by A.
Protein change: p.Ala66=; no amino-acid change (alanine 66 retained).
Molecular consequence: synonymous variant. On other transcripts: intron variant (1).
Genome position (GRCh38, 1-based): chr16:72,959,948, C>T on the plus strand (G>A on the coding strand, the complement: ZFHX3 is on the minus strand). VCF-style: chr16-72959948-C-T. GRCh37 (hg19) VCF-style: chr16-72993847-C-T.
Other names: c.-23-8983G>A (NM_001164766.2); c.198G>A (NM_006885.3).
Identifiers: ClinVar variation 808108 (VCV000808108.37), dbSNP rs143119253, ClinGen allele CA8165078.